The following is an entry in ClinVar:

NM_018942.3(HMX1):c.749G>A (p.Trp250Ter)

Gene: HMX1 (H6 family homeobox 1; minus strand). Cytogenetic location: 4p16.1.
Variant type: single nucleotide variant.
Coding change: c.749G>A on transcript NM_018942.3 (MANE Select); coding-DNA position 749, G replaced by A.
Protein change: p.Trp250Ter; replaces tryptophan 250 with a stop codon.
Molecular consequence: nonsense. On other transcripts: intron variant (1).
Genome position (GRCh38, 1-based): chr4:8,867,991, C>T on the plus strand (G>A on the coding strand, the complement: HMX1 is on the minus strand). VCF-style: chr4-8867991-C-T. GRCh37 (hg19) VCF-style: chr4-8869717-C-T.
Other names: c.394+3230G>A (NM_001306142.2); short protein forms W250*.
Identifiers: ClinVar variation 1518261 (VCV001518261.6), dbSNP rs2109473067, ClinGen allele CA356277906.

ClinVar aggregate classification (germline): Uncertain significance (1 of 4 stars; one submission).

Submission:

Labcorp Genetics (formerly Invitae), Labcorp
Classification: Uncertain significance. Last evaluated: 2022-07-05. Review status: criteria provided, single submitter. Criteria: Invitae Variant Classification Sherloc (09022015). Collection method: clinical testing. Allele origin: germline.
Comment: In summary, the available evidence is currently insufficient to determine the role of this variant in disease. Therefore, it has been classified as a Variant of Uncertain Significance. Experimental studies and prediction algorithms are not available or were not evaluated, and the functional significance of this variant is currently unknown. ClinVar contains an entry for this variant (Variation ID: 1518261). This variant has not been reported in the literature in individuals affected with HMX1-related conditions. This variant is not present in population databases (gnomAD no frequency). This sequence change creates a premature translational stop signal (p.Trp250*) in the HMX1 gene. While this is not anticipated to result in nonsense mediated decay, it is expected to disrupt the last 99 amino acid(s) of the HMX1 protein.